The following is an entry in ClinVar:

ClinVar aggregate classification (germline): Uncertain significance (1 of 4 stars; one submission).

Conditions:
Hypertrophic cardiomyopathy. Also called: HYPERTROPHIC MYOCARDIOPATHY. Identifiers: Orphanet 217569, MedGen C0007194, MeSH D002312, MONDO:0005045, HP:0001639.

Submission:

Labcorp Genetics (formerly Invitae), Labcorp
Classification: Uncertain significance for Hypertrophic cardiomyopathy. Last evaluated: 2017-12-17. Review status: criteria provided, single submitter. Criteria: Invitae Variant Classification Sherloc (09022015). Collection method: clinical testing. Allele origin: germline.
Comment: In summary, the available evidence is currently insufficient to determine the role of this variant in disease. Therefore, it has been classified as a Variant of Uncertain Significance. Algorithms developed to predict the effect of missense changes on protein structure and function do not agree on the potential impact of this missense change (SIFT: "Deleterious"; PolyPhen-2: "Possibly Damaging"; Align-GVGD: "Class C0"). This variant has not been reported in the literature in individuals with MYOM1-related disease. This variant is not present in population databases (ExAC no frequency). This sequence change replaces leucine with tryptophan at codon 132 of the MYOM1 protein (p.Leu132Trp). The leucine residue is weakly conserved and there is a small physicochemical difference between leucine and tryptophan.

NM_003803.4(MYOM1):c.395T>G (p.Leu132Trp)

Gene: MYOM1 (myomesin 1; minus strand). Cytogenetic location: 18p11.31.
Variant type: single nucleotide variant.
Coding change: c.395T>G on transcript NM_003803.4 (MANE Select); coding-DNA position 395, T replaced by G.
Protein change: p.Leu132Trp; replaces leucine 132 with tryptophan.
Molecular consequence: missense variant.
Genome position (GRCh38, 1-based): chr18:3,193,854, A>C on the plus strand (T>G on the coding strand, the complement: MYOM1 is on the minus strand). VCF-style: chr18-3193854-A-C. GRCh37 (hg19) VCF-style: chr18-3193852-A-C.
Other names: c.395T>G, p.Leu132Trp (NM_019856.2); short protein forms L132W.
Identifiers: ClinVar variation 525022 (VCV000525022.8), dbSNP rs1555629260, ClinGen allele CA401717203.
Genomic context (GRCh38, chr18:3,193,854, plus strand): 5'-GCCAGGAAGAAAAAGCACACTCACCGTCCTGAGAAAATGGGTACCATGTAGTCACTGGGC[A>C]AATTTTCTTTCTCTTCTCCAGACAGTAGGCTGTGCTTGGCTCTCTTTGGTTTGGGGCTCA-3'
Protein context (NP_003794.3, residues 122-142): SLLSGEEKEN[Leu132Trp]PSDYMVPIFS